The following is an entry in ClinVar:

NM_000053.4(ATP7B):c.3787del (p.Ala1263fs)

Gene: ATP7B (ATPase copper transporting beta; minus strand). Cytogenetic location: 13q14.3.
Variant type: Deletion.
Coding change: c.3787del on transcript NM_000053.4 (MANE Select); coding-DNA position 3787, one base deleted (G; older notation c.3787delG).
Protein change: p.Ala1263fs; shifts the reading frame from alanine 1263.
Molecular consequence: frameshift variant. On other transcripts: intron variant (1).
Genome position (GRCh38, 1-based): chr13:51,937,592, C deleted on the plus strand (G on the coding strand, the reverse complement: ATP7B is on the minus strand). VCF-style (leftmost placement, unchanged base first): chr13-51937591-GC-G. GRCh37 (hg19) VCF-style: chr13-52511727-GC-G.
Other names: c.2944del, p.Ala982fs (NM_001406547.1); c.2497del, p.Ala833fs (NM_001406548.1); c.3700-199del (NM_001406526.1); c.3454del, p.Ala1152fs (NM_001243182.2); c.3553del, p.Ala1185fs (NM_001330578.2, NM_001406527.1, NM_001406528.1); c.3535del, p.Ala1179fs (NM_001330579.2, NM_001406531.1, NM_001406532.1); c.3787del, p.Ala1263fs (NM_001406511.1, NM_001406512.1); c.3781del, p.Ala1261fs (NM_001406513.1); and 21 more; short protein forms A1036fs, A1047fs, A1056fs, A1069fs, A1099fs, A1101fs, A1114fs, A1120fs.
Identifiers: ClinVar variation 4815464 (VCV004815464.1).
Genomic context (GRCh38, chr13:51,937,591, plus strand): 5'-GCCACACCCATGTCTGCCTGGGCCAAGGCCGGGGAGTCATTGACCCCATCCCCCACCATG[GC>G]GACTTTCTTCCCTTTATTCTGGAGCTCCTGGACCTTGGCCACCTTGTGCGAAGGCAGCAC-3'

ClinVar aggregate classification (germline): Pathogenic (1 of 4 stars; one submission).

Conditions:
Wilson disease (WND). Also called: Wilson's disease. Identifiers: Orphanet 905, MedGen C0019202, MONDO:0010200, OMIM 277900. Disease mechanism: loss of function.

Submission:

Natera, Inc.
Classification: Pathogenic for Wilson disease. Last evaluated: 2024-03-29. Review status: criteria provided, single submitter. Criteria: Natera Variant Classification Schema (03/2026). Collection method: clinical testing. Allele origin: germline.
Comment: The c.3787delG variant in ATP7B is a frameshift variant predicted to shift the reading frame beginning at codon 1263 and leads to a stop codon 67 codons downstream. This variant is expected to result in nonsense mediated decay, truncation, or a dysfunctional protein product. This variant is rare in the general population with a frequency below the threshold expected for the associated phenotype(s). This variant has been observed in one or more individuals affected with the associated recessive disease, as either homozygous or compound heterozygous with a second variant (PMID: 21707886). Given the available evidence, this variant is classified as Pathogenic.

Literature cited by the submitters: PubMed 21707886.